The following is an entry in ClinVar:

NM_020647.4(JPH1):c.816C>T (p.His272=)

Gene: JPH1 (junctophilin 1; minus strand). Cytogenetic location: 8q21.11.
Variant type: single nucleotide variant.
Coding change: c.816C>T on transcript NM_020647.4 (MANE Select); coding-DNA position 816, C replaced by T.
Protein change: p.His272=; no amino-acid change (histidine 272 retained).
Molecular consequence: synonymous variant.
Genome position (GRCh38, 1-based): chr8:74,315,184, G>A on the plus strand (C>T on the coding strand, the complement: JPH1 is on the minus strand). VCF-style: chr8-74315184-G-A. GRCh37 (hg19) VCF-style: chr8-75227419-G-A.
Other names: c.816C>T, p.His272= (NM_001317830.2, NM_001363050.1, NM_001363051.1).
Identifiers: ClinVar variation 4874208 (VCV004874208.2).
Genomic context (GRCh38, chr8:74,315,184, plus strand): 5'-GCCGTTGCGCTTGTCGTTCTTCCACTCGCCCATGTAGGTTTCCGTGGTGGTGGCGTCCAC[G>A]TGGTCTTCCACCGGGCAAAAATCACAATCTACATCGCCAAAGCTGATCGTGGAGTTGGCA-3'
Protein context (NP_065698.1, residues 262-282): VDCDFCPVED[His272=]VDATTTETYM

ClinVar aggregate classification (germline): Likely benign (1 of 4 stars; one submission).

gnomAD v4.1: 18 of 1,614,192 alleles (0.0011%); highest among the groups gnomAD compares: East Asian, 0.033%; no homozygotes.

Submission:

CeGaT Center for Human Genetics Tuebingen
Classification: Likely benign. Last evaluated: 2026-06-01. Review status: criteria provided, single submitter. Criteria: CeGaT Center For Human Genetics Tuebingen Variant Classification Criteria Version 2. Collection method: clinical testing. Allele origin: germline. Affected: yes. Observed: 1 variant allele.
Comment: JPH1: BP4, BP7